The following is an entry in ClinVar:

NM_000245.4(MET):c.2271G>A (p.Gly757=)

Gene: MET (MET proto-oncogene, receptor tyrosine kinase; plus strand). Cytogenetic location: 7q31.2.
Variant type: single nucleotide variant.
Coding change: c.2271G>A on transcript NM_000245.4 (MANE Select); coding-DNA position 2271, G replaced by A.
Protein change: p.Gly757=; no amino-acid change (glycine 757 retained).
Molecular consequence: synonymous variant.
Genome position (GRCh38, 1-based): chr7:116,759,397, G>A. VCF-style: chr7-116759397-G-A. GRCh37 (hg19) VCF-style: chr7-116399451-G-A.
Other names: c.2325G>A (NM_001127500.1); c.2325G>A, p.Gly775= (NM_001127500.3); c.2271G>A, p.Gly757= (NM_001324401.3); c.981G>A, p.Gly327= (NM_001324402.2).
Identifiers: ClinVar variation 1606837 (VCV001606837.10), dbSNP rs755816605, ClinGen allele CA4448447.

ClinVar aggregate classification (germline): Benign/Likely benign. Review status: criteria provided, multiple submitters, no conflicts (2 of 4 stars). 3 submissions from 3 submitters: Benign (1); Likely benign (2). Last evaluated 2025-05-18.

Conditions:
Renal cell carcinoma. Identifiers: Orphanet 217071, MedGen C0007134, MeSH D002292, MONDO:0005086, HP:0005584.
Hereditary cancer-predisposing syndrome. Also called: Tumor predisposition; Hereditary Cancer Syndrome; Neoplastic Syndromes, Hereditary; Hereditary neoplastic syndrome. Identifiers: Orphanet 140162, MedGen C0027672, MeSH D009386, MONDO:0015356.
Papillary renal cell carcinoma type 1 (RCCP1). Also called: Renal adenocarcinoma; Renal cell carcinoma 1; Renal cell carcinoma, somatic; RENAL CELL CARCINOMA, PAPILLARY, 1, SOMATIC. Identifiers: Orphanet 47044, MedGen C1336839, OMIM 605074, HP:0011797.

Allele frequency attached by ClinVar (database versions not stated): TOPMed 0.00001; gnomAD exomes 0.00003; ExAC 0.00006.
gnomAD v4.1: 20 of 1,613,466 alleles (0.0012%); highest among the groups gnomAD compares: South Asian, 0.021%; no homozygotes.

Submissions (3):

Labcorp Genetics (formerly Invitae), Labcorp
Classification: Likely benign for Renal cell carcinoma. Last evaluated: 2025-05-18. Review status: criteria provided, single submitter. Criteria: Invitae Variant Classification Sherloc (09022015). Collection method: clinical testing. Allele origin: germline.

Ambry Genetics
Classification: Likely benign for Hereditary cancer-predisposing syndrome. Last evaluated: 2025-02-06. Review status: criteria provided, single submitter. Criteria: Ambry Variant Classification Scheme 2023. Collection method: clinical testing. Allele origin: germline.

Myriad Genetics, Inc.
Classification: Benign for Papillary renal cell carcinoma type 1. Last evaluated: 2024-11-11. Review status: criteria provided, single submitter. Criteria: Myriad Autosomal Dominant, Autosomal Recessive and X-Linked Classification Criteria (2023). Collection method: clinical testing. Allele origin: unknown.
Comment: This variant is considered benign. This variant is a silent/synonymous amino acid change and it is not expected to impact splicing.